The following is an entry in ClinVar:

NM_001126108.2(SLC12A3):c.1095+1G>C

Gene: SLC12A3 (solute carrier family 12 member 3; plus strand). Cytogenetic location: 16q13.
Variant type: single nucleotide variant.
Coding change: c.1095+1G>C on transcript NM_001126108.2 (MANE Select); the canonical splice donor site of the intron after coding-DNA position 1095, G replaced by C.
Molecular consequence: splice donor variant.
Genome position (GRCh38, 1-based): chr16:56,872,787, G>C. VCF-style: chr16-56872787-G-C. GRCh37 (hg19) VCF-style: chr16-56906699-G-C.
Other names: c.1095+1G>C (NM_000339.2, NM_000339.3); c.1092+1G>C (NM_001126107.2, NM_001410896.1).
Identifiers: ClinVar variation 3003203 (VCV003003203.6), dbSNP rs1310654829, ClinGen allele CA395983941.

ClinVar aggregate classification (germline): Pathogenic/Likely pathogenic. Review status: criteria provided, multiple submitters, no conflicts (2 of 4 stars). 3 submissions from 3 submitters: Pathogenic (2); Likely pathogenic (1). Last evaluated 2025-03-31.

Conditions:
Familial hypokalemia-hypomagnesemia (GTLMNS). Also called: HYPOMAGNESEMIA-HYPOKALEMIA, PRIMARY RENOTUBULAR, WITH HYPOCALCIURIA; POTASSIUM AND MAGNESIUM DEPLETION; gitelman syndrome. Identifiers: Orphanet 358, MedGen C0268450, MONDO:0009904, OMIM 263800.

Submissions (3):

Natera, Inc.
Classification: Pathogenic for Gitelman syndrome. Last evaluated: 2025-03-31. Review status: criteria provided, single submitter. Criteria: Natera Variant Classification Schema (03/2026). Collection method: clinical testing. Allele origin: germline.
Comment: The c.1095+1G>C variant in SLC12A3 is a canonical splice donor site variant predicted to affect pre-mRNA splicing, which may result in an abnormal transcript and altered protein product. This variant is expected to result in nonsense mediated decay, truncation, or a dysfunctional protein product. This variant is rare in the general population with a frequency below the threshold expected for the associated phenotype(s). Another variant at this same site results in an alteration predicted to cause a similar molecular effect has been observed in individual(s) with the associated phenotype. Given the available evidence, this variant is classified as Pathogenic.

First Genomix Gene Laboratory, Genetic Diagnostics Department
Classification: Likely pathogenic for Familial hypokalemia-hypomagnesemia. Last evaluated: 2025-01-10. Review status: criteria provided, single submitter. Criteria: ACMG Guidelines, 2015. Collection method: clinical testing. Allele origin: germline. Inheritance: Autosomal recessive inheritance. Affected: no. Observed: 1 variant allele.

Labcorp Genetics (formerly Invitae), Labcorp
Classification: Pathogenic. Last evaluated: 2023-05-30. Review status: criteria provided, single submitter. Criteria: Invitae Variant Classification Sherloc (09022015). Collection method: clinical testing. Allele origin: germline.
Comment: This variant is not present in population databases (gnomAD no frequency). This sequence change affects a donor splice site in intron 8 of the SLC12A3 gene. It is expected to disrupt RNA splicing. Variants that disrupt the donor or acceptor splice site typically lead to a loss of protein function (PMID: 16199547), and loss-of-function variants in SLC12A3 are known to be pathogenic (PMID: 20848653, 22009145, 25841442). Disruption of this splice site has been observed in individual(s) with Gitelman syndrome (PMID: 21415153). In at least one individual the data is consistent with being in trans (on the opposite chromosome) from a pathogenic variant. For these reasons, this variant has been classified as Pathogenic. Algorithms developed to predict the effect of sequence changes on RNA splicing suggest that this variant may disrupt the consensus splice site.

Literature cited by the submitters: PubMed 16199547 (cited by Labcorp Genetics (formerly Invitae), Labcorp); PubMed 20848653 (cited by Labcorp Genetics (formerly Invitae), Labcorp); PubMed 22009145 (cited by Labcorp Genetics (formerly Invitae), Labcorp); PubMed 25841442 (cited by Labcorp Genetics (formerly Invitae), Labcorp); PubMed 21415153 (cited by Labcorp Genetics (formerly Invitae), Labcorp).